The following is an entry in ClinVar:

ClinVar aggregate classification (germline): Uncertain significance. Review status: criteria provided, multiple submitters, no conflicts (2 of 4 stars). 2 submissions from 2 submitters: Uncertain significance (2). Last evaluated 2025-12-21.

Conditions:
Ullrich congenital muscular dystrophy 2 (UCMD2). Identifiers: Orphanet 75840, MedGen C4225314, MONDO:0014654, OMIM 616470.
Bethlem myopathy 2 (BTHLM2). Identifiers: Orphanet 536516, Orphanet 610, MedGen C4225313, MONDO:0034022, OMIM 616471.

Allele frequency attached by ClinVar (database versions not stated): gnomAD exomes below 0.00001 and 0.00001; TOPMed 0.00001.
gnomAD v4.1: 10 of 1,614,030 alleles (0.00062%); highest among the groups gnomAD compares: Non-Finnish European, 0.00085%; no homozygotes.

Submissions (2):

Labcorp Genetics (formerly Invitae), Labcorp
Classification: Uncertain significance for Bethlem myopathy 2; Ullrich congenital muscular dystrophy 2. Last evaluated: 2025-12-21. Review status: criteria provided, single submitter. Criteria: Invitae Variant Classification Sherloc (09022015). Collection method: clinical testing. Allele origin: germline.
Comment: This sequence change replaces lysine, which is basic and polar, with glutamic acid, which is acidic and polar, at codon 951 of the COL12A1 protein (p.Lys951Glu). This variant is present in population databases (no rsID available, gnomAD 0.0009%). This variant has not been reported in the literature in individuals affected with COL12A1-related conditions. ClinVar contains an entry for this variant (Variation ID: 931671). Invitae Evidence Modeling of protein sequence and biophysical properties (such as structural, functional, and spatial information, amino acid conservation, physicochemical variation, residue mobility, and thermodynamic stability) indicates that this missense variant is not expected to disrupt COL12A1 protein function with a negative predictive value of 80%. In summary, the available evidence is currently insufficient to determine the role of this variant in disease. Therefore, it has been classified as a Variant of Uncertain Significance.

Centre for Mendelian Genomics, University Medical Centre Ljubljana
Classification: Uncertain significance for Bethlem myopathy 2. Last evaluated: 2019-08-13. Review status: criteria provided, single submitter. Criteria: ACMG Guidelines, 2015. Collection method: clinical testing. Allele origin: unknown. Affected: yes.
Comment: This variant was classified as: Uncertain significance. The available evidence on this variant's pathogenicity is insufficient or conflicting. The following ACMG criteria were applied in classifying this variant: BP4.

NM_004370.6(COL12A1):c.2851A>G (p.Lys951Glu)

Gene: COL12A1 (collagen type XII alpha 1 chain; minus strand). Cytogenetic location: 6q13.
Variant type: single nucleotide variant.
Coding change: c.2851A>G on transcript NM_004370.6 (MANE Select); coding-DNA position 2851, A replaced by G.
Protein change: p.Lys951Glu; replaces lysine 951 with glutamic acid.
Molecular consequence: missense variant. On other transcripts: intron variant (1).
Genome position (GRCh38, 1-based): chr6:75,165,639, T>C on the plus strand (A>G on the coding strand, the complement: COL12A1 is on the minus strand). VCF-style: chr6-75165639-T-C. GRCh37 (hg19) VCF-style: chr6-75875355-T-C.
Other names: c.74-13157A>G (NM_080645.3); short protein forms K951E.
Identifiers: ClinVar variation 931671 (VCV000931671.9), dbSNP rs1253194188, ClinGen allele CA364758089.